The following is an entry in ClinVar:

NM_000071.3(CBS):c.1606G>T (p.Ala536Ser)

Gene: CBS (cystathionine beta-synthase; minus strand). Cytogenetic location: 21q22.3.
Variant type: single nucleotide variant.
Coding change: c.1606G>T on transcript NM_000071.3 (MANE Select); coding-DNA position 1606, G replaced by T.
Protein change: p.Ala536Ser; replaces alanine 536 with serine.
Molecular consequence: missense variant.
Genome position (GRCh38, 1-based): chr21:43,053,930, C>A on the plus strand (G>T on the coding strand, the complement: CBS is on the minus strand). VCF-style: chr21-43053930-C-A. GRCh37 (hg19) VCF-style: chr21-44474040-C-A.
Other names: c.1606G>T, p.Ala536Ser (NM_001178008.3, NM_001178009.3, NM_001320298.2); c.1291G>T, p.Ala431Ser (NM_001321072.1); short protein forms A431S, A536S.
Identifiers: ClinVar variation 4220037 (VCV004220037.1).

ClinVar aggregate classification (germline): Uncertain significance (1 of 4 stars; one submission).

Conditions:
Familial thoracic aortic aneurysm and aortic dissection (TAAD). Also called: Thoracic aortic aneurysms and dissections. Identifiers: Orphanet 91387, MedGen C4707243, MONDO:0019625.

Submission:

Ambry Genetics
Classification: Uncertain significance for Familial thoracic aortic aneurysm and aortic dissection. Last evaluated: 2025-08-06. Review status: criteria provided, single submitter. Criteria: Ambry Variant Classification Scheme 2023. Collection method: clinical testing. Allele origin: germline.
Comment: The p.A536S variant (also known as c.1606G>T), located in coding exon 15 of the CBS gene, results from a G to T substitution at nucleotide position 1606. The alanine at codon 536 is replaced by serine, an amino acid with similar properties. This amino acid position is highly conserved in available vertebrate species. In addition, the in silico prediction for this alteration is inconclusive. Based on the available evidence, the clinical significance of this variant remains unclear.